The following is an entry in ClinVar:

ClinVar aggregate classification (germline): Uncertain significance. Review status: criteria provided, multiple submitters, no conflicts (2 of 4 stars). 3 submissions from 3 submitters: Uncertain significance (3). Last evaluated 2025-12-22.

Conditions:
Primary ciliary dyskinesia. Also called: Ciliary dyskinesia. Identifiers: Orphanet 244, MedGen C0008780, MONDO:0016575, HP:0012265.

gnomAD v4.1: 6 of 1,608,818 alleles (0.00037%); highest among the groups gnomAD compares: Non-Finnish European, 0.000085%; no homozygotes.

Submissions (3):

Ambry Genetics
Classification: Uncertain significance for Primary ciliary dyskinesia. Last evaluated: 2025-12-22. Review status: criteria provided, single submitter. Criteria: Ambry Variant Classification Scheme 2023. Collection method: clinical testing. Allele origin: germline.

Labcorp Genetics (formerly Invitae), Labcorp
Classification: Uncertain significance for Primary ciliary dyskinesia. Last evaluated: 2022-10-04. Review status: criteria provided, single submitter. Criteria: Invitae Variant Classification Sherloc (09022015). Collection method: clinical testing. Allele origin: germline.
Comment: This sequence change replaces leucine, which is neutral and non-polar, with phenylalanine, which is neutral and non-polar, at codon 706 of the DNAH11 protein (p.Leu706Phe). This variant is not present in population databases (gnomAD no frequency). This variant has not been reported in the literature in individuals affected with DNAH11-related conditions. Advanced modeling of protein sequence and biophysical properties (such as structural, functional, and spatial information, amino acid conservation, physicochemical variation, residue mobility, and thermodynamic stability) performed at Invitae indicates that this missense variant is not expected to disrupt DNAH11 protein function. In summary, the available evidence is currently insufficient to determine the role of this variant in disease. Therefore, it has been classified as a Variant of Uncertain Significance.

Blueprint Genetics
Classification: Uncertain significance. Last evaluated: 2022-09-01. Review status: criteria provided, single submitter. Criteria: ACMG Guidelines, 2015. Collection method: clinical testing. Allele origin: germline.

NM_001277115.2(DNAH11):c.2118G>C (p.Leu706Phe)

Gene: DNAH11 (dynein axonemal heavy chain 11; plus strand). Cytogenetic location: 7p15.3.
Variant type: single nucleotide variant.
Coding change: c.2118G>C on transcript NM_001277115.2 (MANE Select); coding-DNA position 2118, G replaced by C.
Protein change: p.Leu706Phe; replaces leucine 706 with phenylalanine.
Molecular consequence: missense variant.
Genome position (GRCh38, 1-based): chr7:21,589,352, G>C. VCF-style: chr7-21589352-G-C. GRCh37 (hg19) VCF-style: chr7-21628970-G-C.
Other names: c.2118G>C, p.Leu706Phe (NM_003777.3); c.2118G>C (NM_001277115.1); short protein forms L706F.
Identifiers: ClinVar variation 2415744 (VCV002415744.13), dbSNP rs1784594733, ClinGen allele CA366941046.